The following is an entry in ClinVar:

ClinVar aggregate classification (germline): Uncertain significance (1 of 4 stars; one submission).

Allele frequency attached by ClinVar (database versions not stated): ExAC 0.00001.

Submission:

Ambry Genetics
Classification: Uncertain significance. Last evaluated: 2021-07-24. Review status: criteria provided, single submitter. Criteria: Ambry Variant Classification Scheme 2023. Collection method: clinical testing. Allele origin: germline.
Comment: The p.Q318H variant (also known as c.954G>C), located in coding exon 11 of the NPAT gene, results from a G to C substitution at nucleotide position 954. The glutamine at codon 318 is replaced by histidine, an amino acid with highly similar properties. This amino acid position is conserved. In addition, this alteration is predicted to be tolerated by in silico analysis. Since supporting evidence is limited at this time, the clinical significance of this alteration remains unclear.

NM_002519.3(NPAT):c.954G>C (p.Gln318His)

Gene: NPAT (nuclear protein, coactivator of histone transcription; minus strand). Cytogenetic location: 11q22.3.
Variant type: single nucleotide variant.
Coding change: c.954G>C on transcript NM_002519.3 (MANE Select); coding-DNA position 954, G replaced by C.
Protein change: p.Gln318His; replaces glutamine 318 with histidine.
Molecular consequence: missense variant.
Genome position (GRCh38, 1-based): chr11:108,177,043, C>G on the plus strand (G>C on the coding strand, the complement: NPAT is on the minus strand). VCF-style: chr11-108177043-C-G. GRCh37 (hg19) VCF-style: chr11-108047770-C-G.
Other names: c.954G>C, p.Gln318His (NM_001321307.1); short protein forms Q318H.
Identifiers: ClinVar variation 1767352 (VCV001767352.2), dbSNP rs745983107, ClinGen allele CA6264120.